The following is an entry in ClinVar:

NM_002834.5(PTPN11):c.1374C>G (p.His458Gln)

Gene: PTPN11 (protein tyrosine phosphatase non-receptor type 11; plus strand). Cytogenetic location: 12q24.13.
Variant type: single nucleotide variant.
Coding change: c.1374C>G on transcript NM_002834.5 (MANE Select); coding-DNA position 1374, C replaced by G.
Protein change: p.His458Gln; replaces histidine 458 with glutamine.
Molecular consequence: missense variant.
Genome position (GRCh38, 1-based): chr12:112,486,624, C>G. VCF-style: chr12-112486624-C-G. GRCh37 (hg19) VCF-style: chr12-112924428-C-G.
Other names: c.1386C>G, p.His462Gln (NM_001330437.2); c.1371C>G, p.His457Gln (NM_001374625.1); c.1374C>G, p.His458Gln (NM_080601.3); short protein forms H457Q, H458Q, H462Q.
Identifiers: ClinVar variation 4278637 (VCV004278637.1).

ClinVar aggregate classification (germline): Pathogenic (1 of 4 stars; one submission).

Submission:

GeneDx
Classification: Pathogenic. Last evaluated: 2024-11-22. Review status: criteria provided, single submitter. Criteria: GeneDx Variant Classification Process June 2021. Collection method: clinical testing. Allele origin: germline. Affected: yes.
Comment: Not observed at significant frequency in large population cohorts (gnomAD); Missense variants in this gene are a common cause of disease and they are underrepresented in the general population; In silico analysis supports that this missense variant has a deleterious effect on protein structure/function; This variant is associated with the following publications: (PMID: 29493581, 38540404)